The following is an entry in ClinVar:

ClinVar aggregate classification (germline): Pathogenic. Review status: criteria provided, multiple submitters, no conflicts (2 of 4 stars). 2 submissions from 2 submitters: Pathogenic (2). Last evaluated 2022-08-16.

Submissions (2):

Labcorp Genetics (formerly Invitae), Labcorp
Classification: Pathogenic. Last evaluated: 2022-08-16. Review status: criteria provided, single submitter. Criteria: Invitae Variant Classification Sherloc (09022015). Collection method: clinical testing. Allele origin: germline.
Comment: For these reasons, this variant has been classified as Pathogenic. This variant disrupts a region of the SRCAP protein in which other variant(s) (p.Gln3043Alafs*9) have been determined to be pathogenic (PMID: 33909990). This suggests that this is a clinically significant region of the protein, and that variants that disrupt it are likely to be disease-causing. This premature translational stop signal has been observed in individual(s) with clinical features of SRCAP-related conditions (Invitae). This variant is not present in population databases (gnomAD no frequency). This sequence change creates a premature translational stop signal (p.Ser2463Leufs*12) in the SRCAP gene. While this is not anticipated to result in nonsense mediated decay, it is expected to disrupt the last 768 amino acid(s) of the SRCAP protein.

Institute for Medical Genetics and Human Genetics, Charité - Universitätsmedizin Berlin
Classification: Pathogenic. Review status: criteria provided, single submitter. Criteria: ACMG Guidelines, 2015. Collection method: not provided. Allele origin: germline. Affected: yes.

Literature cited by the submitters: PubMed 33909990 (cited by Labcorp Genetics (formerly Invitae), Labcorp).

NM_006662.3(SRCAP):c.7387del (p.Ser2463fs)

Gene: SRCAP (Snf2 related CREBBP activator protein; plus strand). Cytogenetic location: 16p11.2.
Variant type: Deletion.
Coding change: c.7387del on transcript NM_006662.3 (MANE Select); coding-DNA position 7387, one base deleted (T; older notation c.7387delT).
Protein change: p.Ser2463fs; shifts the reading frame from serine 2463.
Molecular consequence: frameshift variant.
Genome position (GRCh38, 1-based): chr16:30,737,427, T deleted; the last of 3 consecutive T bases (chr16:30,737,425-30,737,427); deleting any one gives the same sequence. VCF-style (leftmost placement, unchanged base first): chr16-30737424-GT-G. GRCh37 (hg19) VCF-style: chr16-30748745-GT-G.
Other names: short protein forms S2463fs.
Identifiers: ClinVar variation 2024360 (VCV002024360.6), dbSNP rs2506727189, ClinGen allele CA2580091484.